The following is an entry in ClinVar:

ClinVar aggregate classification (germline): Likely benign. Review status: criteria provided, single submitter (1 of 4 stars). 2 submissions from 2 submitters: Likely benign (1). 1 of the submissions does not count toward it. Last evaluated 2024-11-12.

Conditions:
POLG-related disorder. Also called: POLG-related condition; POLG-Related Disorders; POLG-Related Spectrum Disorders. Identifiers: MedGen C4763519.
Progressive sclerosing poliodystrophy (MTDPS4A). Also called: NEURONAL DEGENERATION OF CHILDHOOD WITH LIVER DISEASE, PROGRESSIVE; Mitochondrial DNA depletion syndrome 4A (Alpers type); Alpers-Huttenlocher Syndrome (AHS); ALPERS PROGRESSIVE INFANTILE POLIODYSTROPHY; Alpers Syndrome; ALPERS DIFFUSE DEGENERATION OF CEREBRAL GRAY MATTER WITH HEPATIC CIRRHOSIS. Identifiers: Orphanet 726, MedGen C0205710, MONDO:0008758, OMIM 203700.

Allele frequency attached by ClinVar (database versions not stated): gnomAD exomes below 0.00001; TOPMed below 0.00001; ExAC 0.00001; gnomAD 0.00001; ESP Exome Variant Server 0.00008.
gnomAD v4.1: 2 of 1,613,930 alleles (0.00012%); highest among the groups gnomAD compares: African/African-American, 0.0027%; no homozygotes.

Submissions (2):

Labcorp Genetics (formerly Invitae), Labcorp
Classification: Likely benign for Progressive sclerosing poliodystrophy. Last evaluated: 2024-11-12. Review status: criteria provided, single submitter. Criteria: Invitae Variant Classification Sherloc (09022015). Collection method: clinical testing. Allele origin: germline.

PreventionGenetics, part of Exact Sciences
Classification: Likely benign for POLG-related condition. Last evaluated: 2020-01-07. Review status: no assertion criteria provided. Collection method: clinical testing. Allele origin: germline. Not counted in ClinVar's aggregate classification.
Comment: This variant is classified as likely benign based on ACMG/AMP sequence variant interpretation guidelines (Richards et al. 2015 PMID: 25741868, with internal and published modifications).

NM_002693.3(POLG):c.2871T>C (p.Ala957=)

Gene: POLG (DNA polymerase gamma, catalytic subunit; minus strand). Cytogenetic location: 15q26.1.
Variant type: single nucleotide variant.
Coding change: c.2871T>C on transcript NM_002693.3 (MANE Select); coding-DNA position 2871, T replaced by C.
Protein change: p.Ala957=; no amino-acid change (alanine 957 retained).
Molecular consequence: synonymous variant.
Genome position (GRCh38, 1-based): chr15:89,320,876, A>G on the plus strand (T>C on the coding strand, the complement: POLG is on the minus strand). VCF-style: chr15-89320876-A-G. GRCh37 (hg19) VCF-style: chr15-89864107-A-G.
Other names: c.2871T>C, p.Ala957= (NM_001126131.2); c.2871T>C (NM_002693.2).
Identifiers: ClinVar variation 1082290 (VCV001082290.10), dbSNP rs376459207, ClinGen allele CA7724335.